The following is an entry in ClinVar:

NM_018076.5(ODAD2):c.3113C>G (p.Thr1038Arg)

Genes: ODAD2 (outer dynein arm docking complex subunit 2; minus strand), LOC132089773 (Neanderthal introgressed variant-containing enhancer experimental_12116; plus strand). Cytogenetic location: 10p12.1.
Variant type: single nucleotide variant.
Coding change: c.3113C>G on transcript NM_018076.5 (MANE Select); coding-DNA position 3113, C replaced by G.
Protein change: p.Thr1038Arg; replaces threonine 1038 with arginine.
Molecular consequence: missense variant.
Genome position (GRCh38, 1-based): chr10:27,812,534, G>C on the plus strand (C>G on the coding strand, the complement: ODAD2 is on the minus strand). VCF-style: chr10-27812534-G-C. GRCh37 (hg19) VCF-style: chr10-28101463-G-C.
Other names: c.3113C>G, p.Thr1038Arg (NM_001290020.2); c.1810C>G, p.Gln604Glu (NM_001290021.2); c.2189C>G, p.Thr730Arg (NM_001312689.2); short protein forms Q604E, T1038R, T730R.
Identifiers: ClinVar variation 657138 (VCV000657138.5), dbSNP rs767489618, ClinGen allele CA5452976.

ClinVar aggregate classification (germline): Uncertain significance. Review status: criteria provided, multiple submitters, no conflicts (2 of 4 stars). 2 submissions from 2 submitters: Uncertain significance (2). Last evaluated 2022-01-31.

Conditions:
Primary ciliary dyskinesia. Also called: Ciliary dyskinesia. Identifiers: Orphanet 244, MedGen C0008780, MONDO:0016575, HP:0012265.
Primary ciliary dyskinesia 23 (CILD23). Also called: CILIARY DYSKINESIA, PRIMARY, 23, WITH OR WITHOUT SITUS INVERSUS. Identifiers: Orphanet 244, MedGen C3809548, MONDO:0014193, OMIM 615451.

Allele frequency attached by ClinVar (database versions not stated): gnomAD exomes below 0.00001 and 0.00002; ExAC 0.00001; gnomAD 0.00001.
gnomAD v4.1: 8 of 1,612,650 alleles (0.0005%); highest among the groups gnomAD compares: Admixed American, 0.012%; no homozygotes.

Submissions (2):

Ambry Genetics
Classification: Uncertain significance for Primary ciliary dyskinesia. Last evaluated: 2022-01-31. Review status: criteria provided, single submitter. Criteria: Ambry Variant Classification Scheme 2023. Collection method: clinical testing. Allele origin: germline.

Labcorp Genetics (formerly Invitae), Labcorp
Classification: Uncertain significance for Primary ciliary dyskinesia 23. Last evaluated: 2021-11-06. Review status: criteria provided, single submitter. Criteria: Invitae Variant Classification Sherloc (09022015). Collection method: clinical testing. Allele origin: germline.
Comment: This sequence change replaces threonine, which is neutral and polar, with arginine, which is basic and polar, at codon 1038 of the ARMC4 protein (p.Thr1038Arg). This variant is present in population databases (rs767489618, gnomAD 0.01%). This variant has not been reported in the literature in individuals affected with ARMC4-related conditions. ClinVar contains an entry for this variant (Variation ID: 657138). Algorithms developed to predict the effect of missense changes on protein structure and function (SIFT, PolyPhen-2, Align-GVGD) all suggest that this variant is likely to be tolerated. Algorithms developed to predict the effect of sequence changes on RNA splicing suggest that this variant may create or strengthen a splice site. In summary, the available evidence is currently insufficient to determine the role of this variant in disease. Therefore, it has been classified as a Variant of Uncertain Significance.